The following is an entry in ClinVar:

ClinVar aggregate classification (germline): Conflicting classifications of pathogenicity. Review status: criteria provided, conflicting classifications (1 of 4 stars). 8 submissions from 8 submitters: Uncertain significance (2); Likely benign (4). 2 of the submissions do not count toward it. Last evaluated 2025-10-13.

Conditions:
Cystic fibrosis (CF). Also called: MUCOVISCIDOSIS. Identifiers: Orphanet 586, MedGen C0010674, MONDO:0009061, OMIM 219700. Disease mechanism: loss of function.
CFTR-related disorder (CFTR-RD). Also called: CFTR-related condition; CFTR-related disorders. Identifiers: MedGen C5924204, MONDO:7770004.

Allele frequency attached by ClinVar (database versions not stated): gnomAD 0.00006; ESP Exome Variant Server 0.00008; gnomAD exomes 0.00008 and 0.00016; TOPMed 0.00008; ExAC 0.00009.
gnomAD v4.1: 236 of 1,612,248 alleles (0.015%); highest among the groups gnomAD compares: Non-Finnish European, 0.019%; no homozygotes.

Submissions (8):

Labcorp Genetics (formerly Invitae), Labcorp
Classification: Likely benign for Cystic fibrosis. Last evaluated: 2025-10-13. Review status: criteria provided, single submitter. Criteria: Invitae Variant Classification Sherloc (09022015). Collection method: clinical testing. Allele origin: germline.

Blueprint Genetics
Classification: Likely benign. Last evaluated: 2024-05-24. Review status: criteria provided, single submitter. Criteria: ACMG Guidelines, 2015. Collection method: clinical testing. Allele origin: germline.

Women's Health and Genetics/Laboratory Corporation of America, LabCorp
Classification: Likely benign. Last evaluated: 2021-01-11. Review status: criteria provided, single submitter. Criteria: LabCorp Variant Classification Summary - May 2015. Collection method: clinical testing. Allele origin: germline.

Illumina Laboratory Services, Illumina
Classification: Uncertain significance for CFTR-Related Disorders. Last evaluated: 2018-01-12. Review status: criteria provided, single submitter. Criteria: ICSL Variant Classification Criteria 13 December 2019. Collection method: clinical testing. Allele origin: germline.

Quest Diagnostics Nichols Institute San Juan Capistrano
Classification: Uncertain significance. Last evaluated: 2016-09-27. Review status: criteria provided, single submitter. Criteria: Quest Diagnostics criteria. Collection method: clinical testing. Allele origin: germline.

Ambry Genetics
Classification: Likely benign for Cystic fibrosis. Last evaluated: 2015-12-17. Review status: criteria provided, single submitter. Criteria: Ambry Variant Classification Scheme 2023. Collection method: clinical testing. Allele origin: germline.

PreventionGenetics, part of Exact Sciences
Classification: Likely benign for CFTR-related condition. Last evaluated: 2019-08-29. Review status: no assertion criteria provided. Collection method: clinical testing. Allele origin: germline. Not counted in ClinVar's aggregate classification.
Comment: This variant is classified as likely benign based on ACMG/AMP sequence variant interpretation guidelines (Richards et al. 2015 PMID: 25741868, with internal and published modifications).

Natera, Inc.
Classification: Uncertain significance for Cystic Fibrosis. Last evaluated: 2018-04-27. Review status: no assertion criteria provided. Collection method: clinical testing. Allele origin: germline. Not counted in ClinVar's aggregate classification.

NM_000492.4(CFTR):c.3429G>A (p.Leu1143=)

Genes: CFTR (CF transmembrane conductance regulator; plus strand), CFTR-AS2 (CFTR antisense RNA 2; minus strand). Cytogenetic location: 7q31.2.
Variant type: single nucleotide variant.
Coding change: c.3429G>A on transcript NM_000492.4 (MANE Select); coding-DNA position 3429, G replaced by A.
Protein change: p.Leu1143=; no amino-acid change (leucine 1143 retained).
Molecular consequence: synonymous variant.
Genome position (GRCh38, 1-based): chr7:117,614,674, G>A. VCF-style: chr7-117614674-G-A. GRCh37 (hg19) VCF-style: chr7-117254728-G-A.
Identifiers: ClinVar variation 439077 (VCV000439077.29), dbSNP rs375845215, ClinGen allele CA4451459.
Genomic context (GRCh38, chr7:117,614,674, plus strand): 5'-AGAAGGAGAAGGAAGAGTTGGTATTATCCTGACTTTAGCCATGAATATCATGAGTACATT[G>A]CAGTGGGCTGTAAACTCCAGCATAGATGTGGATAGCTTGGTAAGTCTTATCATCTTTTTA-3'
Protein context (NP_000483.3, residues 1133-1153): LTLAMNIMST[Leu1143=]QWAVNSSIDV